The following is an entry in ClinVar:

ClinVar aggregate classification (germline): Uncertain significance (1 of 4 stars; one submission).

Conditions:
Pitt-Hopkins-like syndrome 2 (PTHSL2). Identifiers: Orphanet 221150, Orphanet 600663, MedGen C3280479, MONDO:0013690, OMIM 614325.

Submission:

Labcorp Genetics (formerly Invitae), Labcorp
Classification: Uncertain significance for Pitt-Hopkins-like syndrome 2. Last evaluated: 2023-06-17. Review status: criteria provided, single submitter. Criteria: Invitae Variant Classification Sherloc (09022015). Collection method: clinical testing. Allele origin: germline.
Comment: In summary, the available evidence is currently insufficient to determine the role of this variant in disease. Therefore, it has been classified as a Variant of Uncertain Significance. An algorithm developed to predict the effect of missense changes on protein structure and function (PolyPhen-2) suggests that this variant is likely to be disruptive. This variant has not been reported in the literature in individuals affected with NRXN1-related conditions. This variant is not present in population databases (gnomAD no frequency). This sequence change replaces alanine, which is neutral and non-polar, with proline, which is neutral and non-polar, at codon 4 of the NRXN1 protein (p.Ala4Pro).

NM_001330078.2(NRXN1):c.10G>C (p.Ala4Pro)

Gene: NRXN1 (neurexin 1; minus strand). Cytogenetic location: 2p16.3.
Variant type: single nucleotide variant.
Coding change: c.10G>C on transcript NM_001330078.2 (MANE Select); coding-DNA position 10, G replaced by C.
Protein change: p.Ala4Pro; replaces alanine 4 with proline.
Molecular consequence: missense variant.
Genome position (GRCh38, 1-based): chr2:51,028,264, C>G on the plus strand (G>C on the coding strand, the complement: NRXN1 is on the minus strand). VCF-style: chr2-51028264-C-G. GRCh37 (hg19) VCF-style: chr2-51255402-C-G.
Other names: c.10G>C, p.Ala4Pro (NM_001330093.2, NM_001330094.2, NM_001330095.2 and 15 more transcripts); short protein forms A4P.
Identifiers: ClinVar variation 2813688 (VCV002813688.3), dbSNP rs201209686, ClinGen allele CA346824890.